The following is an entry in ClinVar:

NM_006939.4(SOS2):c.868T>C (p.Phe290Leu)

Gene: SOS2 (SOS Ras/Rho guanine nucleotide exchange factor 2; minus strand). Cytogenetic location: 14q21.3.
Variant type: single nucleotide variant.
Coding change: c.868T>C on transcript NM_006939.4 (MANE Select); coding-DNA position 868, T replaced by C.
Protein change: p.Phe290Leu; replaces phenylalanine 290 with leucine.
Molecular consequence: missense variant.
Genome position (GRCh38, 1-based): chr14:50,180,673, A>G on the plus strand (T>C on the coding strand, the complement: SOS2 is on the minus strand). VCF-style: chr14-50180673-A-G. GRCh37 (hg19) VCF-style: chr14-50647391-A-G.
Other names: c.868T>C, p.Phe290Leu (NM_001411020.1); short protein forms F290L.
Identifiers: ClinVar variation 3039811 (VCV003039811.2), dbSNP rs2503093902, ClinGen allele CA389647126.

ClinVar aggregate classification (germline): Uncertain significance (0 of 4 stars; one submission).

Conditions:
SOS2-related disorder. Also called: SOS2-related condition.

Submission:

PreventionGenetics, part of Exact Sciences
Classification: Uncertain significance for SOS2-related condition. Last evaluated: 2023-12-10. Review status: no assertion criteria provided. Collection method: clinical testing. Allele origin: germline.
Comment: The SOS2 c.868T>C variant is predicted to result in the amino acid substitution p.Phe290Leu. To our knowledge, this variant has not been reported in the literature or in a large population database, indicating this variant is rare. At this time, the clinical significance of this variant is uncertain due to the absence of conclusive functional and genetic evidence.